The following is an entry in ClinVar:

ClinVar aggregate classification (germline): Benign/Likely benign. Review status: criteria provided, multiple submitters, no conflicts (2 of 4 stars). 4 submissions from 4 submitters: Benign (2); Likely benign (1). 1 of the submissions does not count toward it. Last evaluated 2022-02-15.

Conditions:
COX4I1-related disorder. Also called: COX4I1-related condition.
Mitochondrial complex IV deficiency, nuclear type 16. Also called: Mitochondrial complex 4 deficiency, nuclear type 16. Identifiers: MedGen C5436714, MONDO:0033651, OMIM 619060.

Allele frequency attached by ClinVar (database versions not stated): gnomAD exomes 0.00402; ExAC 0.00460; gnomAD 0.01187 and 0.01264; 1000 Genomes Project 0.01198; 1000 Genomes Project 30x 0.01202; ESP Exome Variant Server 0.01293; TOPMed 0.01439.
gnomAD v4.1: 4,654 of 1,612,068 alleles (0.29%); highest among the groups gnomAD compares: African/African-American, 3.8%; 77 homozygotes.

Submissions (4):

Fulgent Genetics
Classification: Likely benign for Mitochondrial complex IV deficiency, nuclear type 16. Last evaluated: 2022-02-15. Review status: criteria provided, single submitter. Criteria: ACMG Guidelines, 2015. Collection method: clinical testing. Allele origin: unknown.

Labcorp Genetics (formerly Invitae), Labcorp
Classification: Benign. Last evaluated: 2018-07-13. Review status: criteria provided, single submitter. Criteria: Invitae Variant Classification Sherloc (09022015). Collection method: clinical testing. Allele origin: germline.

Breakthrough Genomics
Classification: Benign. Review status: criteria provided, single submitter. Criteria: ACMG Guidelines, 2015. Collection method: not provided. Allele origin: germline. Inheritance: Autosomal recessive inheritance. Affected: yes.

PreventionGenetics, part of Exact Sciences
Classification: Benign for COX4I1-related condition. Last evaluated: 2019-09-17. Review status: no assertion criteria provided. Collection method: clinical testing. Allele origin: germline. Not counted in ClinVar's aggregate classification.
Comment: This variant is classified as benign based on ACMG/AMP sequence variant interpretation guidelines (Richards et al. 2015 PMID: 25741868, with internal and published modifications).

NM_001861.6(COX4I1):c.228T>C (p.Asp76=)

Gene: COX4I1 (cytochrome c oxidase subunit 4I1; plus strand). Cytogenetic location: 16q24.1.
Variant type: single nucleotide variant.
Coding change: c.228T>C on transcript NM_001861.6 (MANE Select); coding-DNA position 228, T replaced by C.
Protein change: p.Asp76=; no amino-acid change (aspartic acid 76 retained).
Molecular consequence: synonymous variant. On other transcripts: missense variant (1), initiator codon variant (1).
Genome position (GRCh38, 1-based): chr16:85,805,091, T>C. VCF-style: chr16-85805091-T-C. GRCh37 (hg19) VCF-style: chr16-85838697-T-C.
Other names: c.228T>C, p.Asp76= (NM_001318786.3, NM_001318788.2, NM_001318794.2); c.114T>C, p.Asp38= (NM_001318797.3); c.2T>C, p.Met1Thr (NM_001318802.2); c.2T>C (NM_001318802.1); short protein forms M1T.
Identifiers: ClinVar variation 780190 (VCV000780190.8), dbSNP rs4885, ClinGen allele CA8216566.